The following is an entry in ClinVar:

ClinVar aggregate classification (germline): Uncertain significance (1 of 4 stars; one submission).

Allele frequency attached by ClinVar (database versions not stated): ExAC 0.00001; gnomAD 0.00001; gnomAD exomes 0.00001 and 0.00002.
gnomAD v4.1: 28 of 1,611,096 alleles (0.0017%); highest among the groups gnomAD compares: South Asian, 0.0056%; no homozygotes.

Submission:

Labcorp Genetics (formerly Invitae), Labcorp
Classification: Uncertain significance. Last evaluated: 2024-02-24. Review status: criteria provided, single submitter. Criteria: Invitae Variant Classification Sherloc (09022015). Collection method: clinical testing. Allele origin: germline.
Comment: This sequence change replaces histidine, which is basic and polar, with asparagine, which is neutral and polar, at codon 531 of the NFE2L2 protein (p.His531Asn). This variant is present in population databases (rs762320240, gnomAD 0.002%). This variant has not been reported in the literature in individuals affected with NFE2L2-related conditions. ClinVar contains an entry for this variant (Variation ID: 1399806). Advanced modeling of protein sequence and biophysical properties (such as structural, functional, and spatial information, amino acid conservation, physicochemical variation, residue mobility, and thermodynamic stability) performed at Invitae indicates that this missense variant is not expected to disrupt NFE2L2 protein function with a negative predictive value of 80%. In summary, the available evidence is currently insufficient to determine the role of this variant in disease. Therefore, it has been classified as a Variant of Uncertain Significance.

NM_006164.5(NFE2L2):c.1591C>A (p.His531Asn)

Gene: NFE2L2 (NFE2 like bZIP transcription factor 2; minus strand). Cytogenetic location: 2q31.2.
Variant type: single nucleotide variant.
Coding change: c.1591C>A on transcript NM_006164.5 (MANE Select); coding-DNA position 1591, C replaced by A.
Protein change: p.His531Asn; replaces histidine 531 with asparagine.
Molecular consequence: missense variant.
Genome position (GRCh38, 1-based): chr2:177,231,012, G>T on the plus strand (C>A on the coding strand, the complement: NFE2L2 is on the minus strand). VCF-style: chr2-177231012-G-T. GRCh37 (hg19) VCF-style: chr2-178095740-G-T.
Other names: c.1543C>A, p.His515Asn (NM_001145412.3, NM_001313900.1, NM_001313901.1); c.1522C>A, p.His508Asn (NM_001145413.3); c.1501C>A, p.His501Asn (NM_001313902.2); c.1372C>A, p.His458Asn (NM_001313903.2); c.1291C>A, p.His431Asn (NM_001313904.1); short protein forms H431N, H458N, H508N, H531N, H501N, H515N.
Identifiers: ClinVar variation 1399806 (VCV001399806.8), dbSNP rs762320240, ClinGen allele CA1979675.
Genomic context (GRCh38, chr2:177,231,012, plus strand): 5'-GAAGGCTTTTGTCATTTTCTCCTTTTTCTTTGAGCAATTTTTCTTTTTCATCTTTCAAAT[G>T]ATCTAAATCTTGCTCTAGTTCTACTATATTTTCCAGTTTTCTTTTTCTGCAATTCTGAGC-3'
Protein context (NP_006155.2, residues 521-541): NIVELEQDLD[His531Asn]LKDEKEKLLK